The following is an entry in ClinVar:

ClinVar aggregate classification (germline): Uncertain significance (1 of 4 stars; one submission).

Conditions:
Severe combined immunodeficiency due to DNA-PKcs deficiency. Also called: Immunodeficiency 26 with or without neurologic abnormalities; IMMUNODEFICIENCY 26 WITH NEUROLOGIC ABNORMALITIES. Identifiers: Orphanet 317425, MedGen C4014833, MONDO:0014423, OMIM 615966.

Allele frequency attached by ClinVar (database versions not stated): gnomAD exomes below 0.00001 and 0.00001; TOPMed below 0.00001.
gnomAD v4.1: 12 of 1,613,924 alleles (0.00074%); highest among the groups gnomAD compares: South Asian, 0.0022%; no homozygotes.

Submission:

Labcorp Genetics (formerly Invitae), Labcorp
Classification: Uncertain significance for Severe combined immunodeficiency due to DNA-PKcs deficiency. Last evaluated: 2025-10-02. Review status: criteria provided, single submitter. Criteria: Invitae Variant Classification Sherloc (09022015). Collection method: clinical testing. Allele origin: germline.
Comment: This sequence change replaces arginine, which is basic and polar, with glutamine, which is neutral and polar, at codon 2776 of the PRKDC protein (p.Arg2776Gln). This variant is present in population databases (no rsID available, gnomAD 0.0009%). This variant has not been reported in the literature in individuals affected with PRKDC-related conditions. ClinVar contains an entry for this variant (Variation ID: 859170). Invitae Evidence Modeling of protein sequence and biophysical properties (such as structural, functional, and spatial information, amino acid conservation, physicochemical variation, residue mobility, and thermodynamic stability) indicates that this missense variant is expected to disrupt PRKDC protein function with a positive predictive value of 80%. In summary, the available evidence is currently insufficient to determine the role of this variant in disease. Therefore, it has been classified as a Variant of Uncertain Significance.

NM_006904.7(PRKDC):c.8327G>A (p.Arg2776Gln)

Gene: PRKDC (protein kinase, DNA-activated, catalytic subunit; minus strand). Cytogenetic location: 8q11.21.
Variant type: single nucleotide variant.
Coding change: c.8327G>A on transcript NM_006904.7 (MANE Select); coding-DNA position 8327, G replaced by A.
Protein change: p.Arg2776Gln; replaces arginine 2776 with glutamine.
Molecular consequence: missense variant.
Genome position (GRCh38, 1-based): chr8:47,830,675, C>T on the plus strand (G>A on the coding strand, the complement: PRKDC is on the minus strand). VCF-style: chr8-47830675-C-T. GRCh37 (hg19) VCF-style: chr8-48743236-C-T.
Other names: c.8327G>A, p.Arg2776Gln (NM_001081640.2); short protein forms R2776Q.
Identifiers: ClinVar variation 859170 (VCV000859170.4), dbSNP rs1484079903, ClinGen allele CA371147025.